The following is an entry in ClinVar:

ClinVar aggregate classification (germline): Uncertain significance (1 of 4 stars; one submission).

Conditions:
Diamond-Blackfan anemia. Also called: Blackfan Diamond syndrome; Aregenerative anemia chronic congenital; Red cell aplasia, pure hereditary; Congenital hypoplastic anemia; Aase syndrome. Identifiers: Orphanet 124, MedGen C1260899, MeSH D029503, MONDO:0015253, HP:0004810.
GATA binding protein 1 related thrombocytopenia with dyserythropoiesis. Also called: GATA1-Related X-Linked Cytopenia; GATA1-Related Cytopenia. Identifiers: MedGen C1845837, MONDO:0100089.

Allele frequency attached by ClinVar (database versions not stated): gnomAD exomes below 0.00001; TOPMed below 0.00001.

Submission:

Labcorp Genetics (formerly Invitae), Labcorp
Classification: Uncertain significance for GATA binding protein 1 related thrombocytopenia with dyserythropoiesis; Diamond-Blackfan anemia. Last evaluated: 2017-12-17. Review status: criteria provided, single submitter. Criteria: Invitae Variant Classification Sherloc (09022015). Collection method: clinical testing. Allele origin: germline.
Comment: This sequence change replaces leucine with proline at codon 81 of the GATA1 protein (p.Leu81Pro). The leucine residue is moderately conserved and there is a moderate physicochemical difference between leucine and proline. This variant is not present in population databases (ExAC no frequency). This variant has not been reported in the literature in individuals with GATA1-related disease. Algorithms developed to predict the effect of missense changes on protein structure and function do not agree on the potential impact of this missense change (SIFT: "Tolerated"; PolyPhen-2: "Possibly Damaging"; Align-GVGD: "Class C0"). In summary, the available evidence is currently insufficient to determine the role of this variant in disease. Therefore, it has been classified as a Variant of Uncertain Significance.

NM_002049.4(GATA1):c.242T>C (p.Leu81Pro)

Gene: GATA1 (GATA binding protein 1; plus strand). Cytogenetic location: Xp11.23.
Variant type: single nucleotide variant.
Coding change: c.242T>C on transcript NM_002049.4 (MANE Select); coding-DNA position 242, T replaced by C.
Protein change: p.Leu81Pro; replaces leucine 81 with proline.
Molecular consequence: missense variant.
Genome position (GRCh38, 1-based): chrX:48,791,865, T>C. VCF-style: chrX-48791865-T-C. GRCh37 (hg19) VCF-style: chrX-48650272-T-C.
Other names: short protein forms L81P.
Identifiers: ClinVar variation 533693 (VCV000533693.9), dbSNP rs1557020166, ClinGen allele CA412867548.
Genomic context (GRCh38, chrX:48,791,865, plus strand): 5'-TTGCCTCTTCTTTCCTCCATCCCTACCTGCCCCCAACAGTCTTTCAGGTGTACCCATTGC[T>C]CAACTGTATGGAGGGGATCCCAGGGGGCTCACCATATGCCGGCTGGGCCTACGGCAAGAC-3'
Protein context (NP_002040.1, residues 71-91): HSPVFQVYPL[Leu81Pro]NCMEGIPGGS